The following is an entry in ClinVar:

NM_002335.4(LRP5):c.2548G>A (p.Gly850Ser)

Gene: LRP5 (LDL receptor related protein 5; plus strand). Cytogenetic location: 11q13.2.
Variant type: single nucleotide variant.
Coding change: c.2548G>A on transcript NM_002335.4 (MANE Select); coding-DNA position 2548, G replaced by A.
Protein change: p.Gly850Ser; replaces glycine 850 with serine.
Molecular consequence: missense variant.
Genome position (GRCh38, 1-based): chr11:68,413,733, G>A. VCF-style: chr11-68413733-G-A. GRCh37 (hg19) VCF-style: chr11-68181201-G-A.
Other names: c.805G>A, p.Gly269Ser (NM_001291902.2); c.2548G>A (NM_002335.2); short protein forms G269S, G850S.
Identifiers: ClinVar variation 1500361 (VCV001500361.9), dbSNP rs776947784, ClinGen allele CA6149684.
Genomic context (GRCh38, chr11:68,413,733, plus strand): 5'-GTGTGTGTTCATGCAGGTCAGGAGCGGGTCGTGATTGCCGACGATCTCCCGCACCCGTTC[G>A]GTCTGACGCAGTACAGCGATTATATCTACTGGACAGACTGGAATCTGCACAGCATTGAGC-3'
Protein context (NP_002326.2, residues 840-860): VIADDLPHPF[Gly850Ser]LTQYSDYIYW

ClinVar aggregate classification (germline): Uncertain significance. Review status: criteria provided, multiple submitters, no conflicts (2 of 4 stars). 4 submissions from 4 submitters: Uncertain significance (4). Last evaluated 2024-07-26.

Conditions:
Inborn genetic diseases. Identifiers: MedGen C0950123, MeSH D030342.
Autosomal dominant osteopetrosis 1 (OPTA1). Also called: OSTEOPETROSIS, AUTOSOMAL DOMINANT, TYPE I. Identifiers: Orphanet 2783, MedGen C1843330, MONDO:0011877, OMIM 607634.
Exudative vitreoretinopathy 1 (EVR1). Also called: CRISWICK-SCHEPENS SYNDROME; FEVR, AUTOSOMAL DOMINANT; Familial exudative vitreoretinopathy, autosomal dominant. Identifiers: Orphanet 891, Orphanet 90050, MedGen C1851402, MONDO:0007589, OMIM 133780.
Osteoporosis with pseudoglioma (OPPG). Also called: osteoporosis-pseudoglioma syndrome. Identifiers: Orphanet 2788, MedGen C0432252, MONDO:0009820, OMIM 259770.
Bone mineral density quantitative trait locus 1 (BMND1). Identifiers: MedGen C1866079, OMIM 601884.
Exudative vitreoretinopathy 4 (EVR4). Identifiers: Orphanet 891, MedGen C1866176, MONDO:0011151, OMIM 601813.
Worth disease. Also called: OSTEOSCLEROSIS, AUTOSOMAL DOMINANT; Autosomal dominant osteosclerosis, Worth type; ENDOSTEAL HYPEROSTOSIS, AUTOSOMAL DOMINANT. Identifiers: Orphanet 2790, MedGen C0432273, MONDO:0007764, OMIM 144750.
Polycystic liver disease 4 with or without kidney cysts. Identifiers: MedGen C4693479, MONDO:0044327, OMIM 617875.
Osteoporosis. Identifiers: MedGen C0029456, MONDO:0005298, OMIM 166710, HP:0000939.

Allele frequency attached by ClinVar (database versions not stated): gnomAD 0.00001 and 0.00002; gnomAD exomes 0.00002; TOPMed 0.00002; ExAC 0.00001.
gnomAD v4.1: 29 of 1,613,700 alleles (0.0018%); highest among the groups gnomAD compares: South Asian, 0.0033%; no homozygotes.

Submissions (4):

Labcorp Genetics (formerly Invitae), Labcorp
Classification: Uncertain significance. Last evaluated: 2024-07-26. Review status: criteria provided, single submitter. Criteria: Invitae Variant Classification Sherloc (09022015). Collection method: clinical testing. Allele origin: germline.
Comment: This sequence change replaces glycine, which is neutral and non-polar, with serine, which is neutral and polar, at codon 850 of the LRP5 protein (p.Gly850Ser). This variant is present in population databases (rs776947784, gnomAD 0.0009%). This variant has not been reported in the literature in individuals affected with LRP5-related conditions. ClinVar contains an entry for this variant (Variation ID: 1500361). Advanced modeling of protein sequence and biophysical properties (such as structural, functional, and spatial information, amino acid conservation, physicochemical variation, residue mobility, and thermodynamic stability) has been performed at Invitae for this missense variant, however the output from this modeling did not meet the statistical confidence thresholds required to predict the impact of this variant on LRP5 protein function. In summary, the available evidence is currently insufficient to determine the role of this variant in disease. Therefore, it has been classified as a Variant of Uncertain Significance.

Blueprint Genetics
Classification: Uncertain significance. Last evaluated: 2023-05-03. Review status: criteria provided, single submitter. Criteria: ACMG Guidelines, 2015. Collection method: clinical testing. Allele origin: germline.

Ambry Genetics
Classification: Uncertain significance for Inborn genetic diseases. Last evaluated: 2022-10-27. Review status: criteria provided, single submitter. Criteria: Ambry Variant Classification Scheme 2023. Collection method: clinical testing. Allele origin: germline.

Fulgent Genetics
Classification: Uncertain significance for Exudative vitreoretinopathy 1; Worth disease; Osteoporosis; Osteoporosis with pseudoglioma; Exudative vitreoretinopathy 4; Bone mineral density quantitative trait locus 1; Autosomal dominant osteopetrosis 1; Polycystic liver disease 4 with or without kidney cysts. Last evaluated: 2022-05-05. Review status: criteria provided, single submitter. Criteria: ACMG Guidelines, 2015. Collection method: clinical testing. Allele origin: unknown.